The following is an entry in ClinVar:

ClinVar aggregate classification (germline): Uncertain significance (1 of 4 stars; one submission).

Submission:

GeneDx
Classification: Uncertain significance. Last evaluated: 2022-06-02. Review status: criteria provided, single submitter. Criteria: GeneDx Variant Classification Process June 2021. Collection method: clinical testing. Allele origin: germline. Affected: yes.
Comment: Not observed at significant frequency in large population cohorts (gnomAD); In silico analysis supports that this missense variant does not alter protein structure/function; Has not been previously published as pathogenic or benign to our knowledge

NM_004859.4(CLTC):c.3269G>A (p.Gly1090Glu)

Gene: CLTC (clathrin heavy chain; plus strand). Cytogenetic location: 17q23.1.
Variant type: single nucleotide variant.
Coding change: c.3269G>A on transcript NM_004859.4 (MANE Select); coding-DNA position 3269, G replaced by A.
Protein change: p.Gly1090Glu; replaces glycine 1090 with glutamic acid.
Molecular consequence: missense variant.
Genome position (GRCh38, 1-based): chr17:59,681,666, G>A. VCF-style: chr17-59681666-G-A. GRCh37 (hg19) VCF-style: chr17-57759027-G-A.
Other names: c.3281G>A, p.Gly1094Glu (NM_001288653.2); short protein forms G1090E, G1094E.
Identifiers: ClinVar variation 1801906 (VCV001801906.1), dbSNP rs2509151525, ClinGen allele CA400417407.
Genomic context (GRCh38, chr17:59,681,666, plus strand): 5'-TTGATTTTACTCTAACCCTAATTTCAAACTTGGATACTTAGGTCTTAATTGAGCATATTG[G>A]AAACTTGGATCGGGCATATGAGTTTGCTGAACGTTGCAATGAACCTGCGGTCTGGAGTCA-3'
Protein context (NP_004850.1, residues 1080-1100): SAVQVLIEHI[Gly1090Glu]NLDRAYEFAE